The following is an entry in ClinVar:

ClinVar aggregate classification (germline): Uncertain significance (1 of 4 stars; one submission).

Submission:

GeneDx
Classification: Uncertain significance. Last evaluated: 2026-03-25. Review status: criteria provided, single submitter. Criteria: GeneDx Variant Classification Process June 2021. Collection method: clinical testing. Allele origin: germline.
Comment: Nonsense variant predicted to result in protein truncation or nonsense mediated decay in a gene or region of a gene for which loss of function is not a well-established mechanism of disease; Not observed at significant frequency in large population cohorts (gnomAD); Has not been previously published as pathogenic or benign to our knowledge

NM_030948.6(PHACTR1):c.1660C>T (p.Arg554Ter)

Genes: PHACTR1 (phosphatase and actin regulator 1; plus strand), TBC1D7-LOC100130357 (TBC1D7-LOC100130357 readthrough; minus strand), LOC100130357 (uncharacterized LOC100130357; minus strand). Cytogenetic location: 6p24.1.
Variant type: single nucleotide variant.
Coding change: c.1660C>T on transcript NM_030948.6 (MANE Select); coding-DNA position 1660, C replaced by T.
Protein change: p.Arg554Ter; replaces arginine 554 with a stop codon.
Molecular consequence: nonsense. On other transcripts: intron variant (1).
Genome position (GRCh38, 1-based): chr6:13,286,155, C>T. VCF-style: chr6-13286155-C-T. GRCh37 (hg19) VCF-style: chr6-13286387-C-T.
Other names: c.1660C>T, p.Arg554Ter (NM_001242648.4, NM_001322308.3, NM_001322309.3 and 1 more transcripts); c.1867C>T, p.Arg623Ter (NM_001322310.2); c.1384C>T, p.Arg462Ter (NM_001322311.2, NM_001322312.3, NM_001374583.2); c.1591C>T, p.Arg531Ter (NM_001322313.2); c.1870C>T, p.Arg624Ter (NM_001322314.4); c.*40-18320G>A (NM_001318809.2); short protein forms R462*, R531*, R554*, R623*, R624*.
Identifiers: ClinVar variation 5017443 (VCV005017443.1).
Genomic context (GRCh38, chr6:13,286,155, plus strand): 5'-TTTTTTCTGTCTCTCTCCCATTGCACATTGATGGGCTTCTGTTGATTCCAGGCTGCCATC[C>T]GAAAGGAGCTCAATGAATTCAAAAGCACTGAGATGGAAGTTCATGAATTGAGTAGACACT-3'